The following is an entry in ClinVar:

NM_173598.6(KSR2):c.2290A>G (p.Arg764Gly)

Gene: KSR2 (kinase suppressor of ras 2; minus strand). Cytogenetic location: 12q24.22.
Variant type: single nucleotide variant.
Coding change: c.2290A>G on transcript NM_173598.6 (MANE Select); coding-DNA position 2290, A replaced by G.
Protein change: p.Arg764Gly; replaces arginine 764 with glycine.
Molecular consequence: missense variant.
Genome position (GRCh38, 1-based): chr12:117,485,621, T>C on the plus strand (A>G on the coding strand, the complement: KSR2 is on the minus strand). VCF-style: chr12-117485621-T-C. GRCh37 (hg19) VCF-style: chr12-117923426-T-C.
Other names: short protein forms R764G.
Identifiers: ClinVar variation 4985162 (VCV004985162.1).

ClinVar aggregate classification (germline): Uncertain significance (1 of 4 stars; one submission).

Conditions:
KSR2-related disorder. Also called: KSR2-related condition.

gnomAD v4.1: 5 of 1,613,478 alleles (0.00031%); highest among the groups gnomAD compares: African/African-American, 0.0053%; no homozygotes.

Submission:

PreventionGenetics, part of Exact Sciences
Classification: Uncertain significance for KSR2-related condition. Last evaluated: 2026-07-28. Review status: criteria provided, single submitter. Criteria: ACMG Guidelines, 2015. Collection method: clinical testing. Allele origin: germline.
Comment: The KSR2 c.2203A>G variant is predicted to result in the amino acid substitution p.Arg735Gly. To our knowledge, this variant has not been reported in the literature or in a large population database (gnomAD), indicating this variant is rare. At this time, the clinical significance of this variant is uncertain due to the absence of conclusive functional and genetic evidence.